The following is an entry in ClinVar:

ClinVar aggregate classification (germline): Uncertain significance (1 of 4 stars; one submission).

Submission:

Labcorp Genetics (formerly Invitae), Labcorp
Classification: Uncertain significance. Last evaluated: 2024-12-02. Review status: criteria provided, single submitter. Criteria: Invitae Variant Classification Sherloc (09022015). Collection method: clinical testing. Allele origin: germline.
Comment: This sequence change replaces lysine, which is basic and polar, with glutamine, which is neutral and polar, at codon 192 of the RARS protein (p.Lys192Gln). This variant is not present in population databases (gnomAD no frequency). This variant has not been reported in the literature in individuals affected with RARS-related conditions. ClinVar contains an entry for this variant (Variation ID: 1680413). Invitae Evidence Modeling of protein sequence and biophysical properties (such as structural, functional, and spatial information, amino acid conservation, physicochemical variation, residue mobility, and thermodynamic stability) indicates that this missense variant is not expected to disrupt RARS protein function with a negative predictive value of 80%. In summary, the available evidence is currently insufficient to determine the role of this variant in disease. Therefore, it has been classified as a Variant of Uncertain Significance.

NM_002887.4(RARS1):c.574A>C (p.Lys192Gln)

Gene: RARS1 (arginyl-tRNA synthetase 1; plus strand). Cytogenetic location: 5q34.
Variant type: single nucleotide variant.
Coding change: c.574A>C on transcript NM_002887.4 (MANE Select); coding-DNA position 574, A replaced by C.
Protein change: p.Lys192Gln; replaces lysine 192 with glutamine.
Molecular consequence: missense variant.
Genome position (GRCh38, 1-based): chr5:168,494,645, A>C. VCF-style: chr5-168494645-A-C. GRCh37 (hg19) VCF-style: chr5-167921650-A-C.
Other names: short protein forms K192Q.
Identifiers: ClinVar variation 1680413 (VCV001680413.6), dbSNP rs2152903884, ClinGen allele CA362079269.
Genomic context (GRCh38, chr5:168,494,645, plus strand): 5'-TCAGAACAATTGACCAGTCTTCTAGTGAATGGAGTTCAACTACCTGCTCTGGGAGAGAAT[A>C]AAAAGGTATATGTACACTCTTCTATTAATATATTAGTATCTTAGAACTGCGTGGAACCAA-3'
Protein context (NP_002878.2, residues 182-202): GVQLPALGEN[Lys192Gln]KVIVDFSSPN